The following is an entry in ClinVar:

NM_002801.4(PSMB10):c.453T>C (p.Gly151=)

Gene: PSMB10 (proteasome 20S subunit beta 10; minus strand). Cytogenetic location: 16q22.1.
Variant type: single nucleotide variant.
Coding change: c.453T>C on transcript NM_002801.4 (MANE Select); coding-DNA position 453, T replaced by C.
Protein change: p.Gly151=; no amino-acid change (glycine 151 retained).
Molecular consequence: synonymous variant.
Genome position (GRCh38, 1-based): chr16:67,935,628, A>G on the plus strand (T>C on the coding strand, the complement: PSMB10 is on the minus strand). VCF-style: chr16-67935628-A-G. GRCh37 (hg19) VCF-style: chr16-67969531-A-G.
Other names: p.Gly151=.
Identifiers: ClinVar variation 4684104 (VCV004684104.2).
Genomic context (GRCh38, chr16:67,935,628, plus strand): 5'-ACAGAAGCGCTCACCCAGGGCTGTGAAGGGCAGACGGCTGTAGGAGCCATGGGGATGCAC[A>G]CCGTAGAGCTGCGGTCCAGTCAGGTCTACGCCGCCCACGATCAGCGATGCACCCACGTGG-3'
Protein context (NP_002792.1, residues 141-161): GVDLTGPQLY[Gly151=]VHPHGSYSRL

ClinVar aggregate classification (germline): Benign. Review status: criteria provided, multiple submitters, no conflicts (2 of 4 stars). 2 submissions from 2 submitters: Benign (2). Last evaluated 2026-01-22.

gnomAD v4.1: 107,358 of 1,614,066 alleles (6.7%); highest among the groups gnomAD compares: African/African-American, 38%; 7,970 homozygotes.

Submissions (2):

Women's Health and Genetics/Laboratory Corporation of America, LabCorp
Classification: Benign. Last evaluated: 2026-01-22. Review status: criteria provided, single submitter. Criteria: LabCorp Variant Classification Summary - May 2015. Collection method: clinical testing. Allele origin: germline.
Comment: Variant summary: PSMB10 c.453T>C results in a synonymous change. Consensus agreement among computation tools predict no significant impact on normal splicing. However, these predictions have yet to be confirmed by functional studies. The variant allele was found at a frequency of 0.07 in 251342 control chromosomes in the gnomAD database, including 1438 homozygotes. The observed variant frequency exceeds the estimated maximal expected allele frequency for disease-causing variants in PSMB10. To our knowledge, no occurrence of c.453T>C in individuals affected with PSMB10-related conditions and no experimental evidence demonstrating its impact on protein function have been reported. ClinVar contains an entry for this variant (Variation ID: 4684104). Based on the evidence outlined above, the variant was classified as benign.

Mayo Clinic Laboratories, Mayo Clinic
Classification: Benign. Last evaluated: 2022-09-06. Review status: criteria provided, single submitter. Criteria: ACMG Guidelines, 2015. Collection method: clinical testing. Allele origin: germline. Observed: 54 variant alleles.